The following is an entry in ClinVar:

NM_004998.4(MYO1E):c.1618C>G (p.Pro540Ala)

Gene: MYO1E (myosin IE; minus strand). Cytogenetic location: 15q22.2.
Variant type: single nucleotide variant.
Coding change: c.1618C>G on transcript NM_004998.4 (MANE Select); coding-DNA position 1618, C replaced by G.
Protein change: p.Pro540Ala; replaces proline 540 with alanine.
Molecular consequence: missense variant.
Genome position (GRCh38, 1-based): chr15:59,202,406, G>C on the plus strand (C>G on the coding strand, the complement: MYO1E is on the minus strand). VCF-style: chr15-59202406-G-C. GRCh37 (hg19) VCF-style: chr15-59494605-G-C.
Other names: c.1618C>G (NM_004998.2); short protein forms P540A.
Identifiers: ClinVar variation 1429478 (VCV001429478.11), dbSNP rs372880204, ClinGen allele CA7589557.

ClinVar aggregate classification (germline): Uncertain significance. Review status: criteria provided, multiple submitters, no conflicts (2 of 4 stars). 3 submissions from 3 submitters: Uncertain significance (3). Last evaluated 2025-06-12.

Conditions:
Focal segmental glomerulosclerosis 6 (FSGS6). Identifiers: Orphanet 656, MedGen C3279905, MONDO:0013589, OMIM 614131.
Inborn genetic diseases. Identifiers: MedGen C0950123, MeSH D030342.

Allele frequency attached by ClinVar (database versions not stated): ESP Exome Variant Server 0.00008.
gnomAD v4.1: 3 of 1,613,230 alleles (0.00019%); highest among the groups gnomAD compares: African/African-American, 0.004%; no homozygotes.

Submissions (3):

Labcorp Genetics (formerly Invitae), Labcorp
Classification: Uncertain significance. Last evaluated: 2025-06-12. Review status: criteria provided, single submitter. Criteria: Invitae Variant Classification Sherloc (09022015). Collection method: clinical testing. Allele origin: germline.
Comment: This sequence change replaces proline, which is neutral and non-polar, with alanine, which is neutral and non-polar, at codon 540 of the MYO1E protein (p.Pro540Ala). This variant is present in population databases (rs372880204, gnomAD 0.007%). This variant has not been reported in the literature in individuals affected with MYO1E-related conditions. ClinVar contains an entry for this variant (Variation ID: 1429478). An algorithm developed to predict the effect of missense changes on protein structure and function (PolyPhen-2) suggests that this variant is likely to be tolerated. In summary, the available evidence is currently insufficient to determine the role of this variant in disease. Therefore, it has been classified as a Variant of Uncertain Significance.

Fulgent Genetics
Classification: Uncertain significance for Focal segmental glomerulosclerosis 6. Last evaluated: 2024-04-15. Review status: criteria provided, single submitter. Criteria: ACMG Guidelines, 2015. Collection method: clinical testing. Allele origin: germline.

Ambry Genetics
Classification: Uncertain significance for Inborn genetic diseases. Last evaluated: 2021-10-05. Review status: criteria provided, single submitter. Criteria: Ambry Variant Classification Scheme 2023. Collection method: clinical testing. Allele origin: germline.